The following is an entry in ClinVar:

ClinVar aggregate classification (germline): Likely pathogenic (1 of 4 stars; one submission).

Allele frequency attached by ClinVar (database versions not stated): gnomAD exomes below 0.00001.
gnomAD v4.1: 3 of 1,587,638 alleles (0.00019%); highest among the groups gnomAD compares: East Asian, 0.0023%; no homozygotes.

Submission:

Labcorp Genetics (formerly Invitae), Labcorp
Classification: Likely pathogenic. Last evaluated: 2023-05-02. Review status: criteria provided, single submitter. Criteria: Invitae Variant Classification Sherloc (09022015). Collection method: clinical testing. Allele origin: germline.
Comment: In summary, the currently available evidence indicates that the variant is pathogenic, but additional data are needed to prove that conclusively. Therefore, this variant has been classified as Likely Pathogenic. Algorithms developed to predict the effect of sequence changes on RNA splicing suggest that this variant may disrupt the consensus splice site. This variant has not been reported in the literature in individuals affected with TBCD-related conditions. This variant is not present in population databases (gnomAD no frequency). This sequence change affects an acceptor splice site in intron 37 of the TBCD gene. It is expected to disrupt RNA splicing. Variants that disrupt the donor or acceptor splice site typically lead to a loss of protein function (PMID: 16199547), and loss-of-function variants in TBCD are known to be pathogenic (PMID: 27666370, 27666374).

Literature cited by the submitters: PubMed 16199547; PubMed 27666370; PubMed 27666374.

NM_005993.5(TBCD):c.3480-2A>G

Gene: TBCD (tubulin folding cofactor D). Cytogenetic location: 17q25.3.
Variant type: single nucleotide variant.
Coding change: c.3480-2A>G on transcript NM_005993.5 (MANE Select); the canonical splice acceptor site of the intron before coding-DNA position 3480, A replaced by G.
Molecular consequence: splice acceptor variant.
Genome position (GRCh38, 1-based): chr17:82,941,397, A>G. VCF-style: chr17-82941397-A-G. GRCh37 (hg19) VCF-style: chr17-80899273-A-G.
Other names: c.3399-2A>G (NM_001411102.1); c.3429-2A>G (NM_001411101.1).
Identifiers: ClinVar variation 2862291 (VCV002862291.3), dbSNP rs2063243833, ClinGen allele CA401636830.